The following is an entry in ClinVar:

NM_012414.4(RAB3GAP2):c.340del (p.Met114fs)

Gene: RAB3GAP2 (RAB3 GTPase activating non-catalytic protein subunit 2; minus strand). Cytogenetic location: 1q41.
Variant type: Deletion.
Coding change: c.340del on transcript NM_012414.4 (MANE Select); coding-DNA position 340, one base deleted (A; older notation c.340delA).
Protein change: p.Met114fs; shifts the reading frame from methionine 114.
Molecular consequence: frameshift variant.
Genome position (GRCh38, 1-based): chr1:220,212,933, T deleted on the plus strand (A on the coding strand, the reverse complement: RAB3GAP2 is on the minus strand); the first of 3 consecutive T bases (chr1:220,212,933-220,212,935); deleting any one gives the same sequence. VCF-style (leftmost placement, unchanged base first): chr1-220212932-AT-A. GRCh37 (hg19) VCF-style: chr1-220386274-AT-A.
Other names: short protein forms M114fs.
Identifiers: ClinVar variation 2921941 (VCV002921941.3), dbSNP rs2528725124, ClinGen allele CA2740092613.
Genomic context (GRCh38, chr1:220,212,932, plus strand): 5'-TTAACTGGCACCTACCCTTCTTCGACATTTAAGGAACCACTCCAGCCAACAGCAAATTGC[AT>A]TTCTTCCTTTCCTTTATCACTATATTTCCATTTTGCTGTAAGAATTAAGATATCATATAA-3'

ClinVar aggregate classification (germline): Pathogenic (1 of 4 stars; one submission).

Conditions:
Warburg micro syndrome 2 (WARBM2). Also called: MICRO SYNDROME 2. Identifiers: Orphanet 2510, MedGen C3280214, MONDO:0013641, OMIM 614225.
Martsolf syndrome (MARTS). Also called: Congenital cataract with intellectual disability and hypogonadotropic hypogonadism syndrome. Identifiers: Orphanet 1387, MedGen C0796037, MONDO:0023910.

Submission:

Labcorp Genetics (formerly Invitae), Labcorp
Classification: Pathogenic for Martsolf syndrome; Warburg micro syndrome 2. Last evaluated: 2024-10-16. Review status: criteria provided, single submitter. Criteria: Invitae Variant Classification Sherloc (09022015). Collection method: clinical testing. Allele origin: germline.
Comment: This sequence change creates a premature translational stop signal (p.Met114Cysfs*11) in the RAB3GAP2 gene. It is expected to result in an absent or disrupted protein product. Loss-of-function variants in RAB3GAP2 are known to be pathogenic (PMID: 23420520). This variant is not present in population databases (gnomAD no frequency). This variant has not been reported in the literature in individuals affected with RAB3GAP2-related conditions. For these reasons, this variant has been classified as Pathogenic.

Literature cited by the submitters: PubMed 23420520.